The following is an entry in ClinVar:

NM_015909.4(NBAS):c.2390G>A (p.Arg797Gln)

Gene: NBAS (NBAS subunit of NRZ tethering complex; minus strand). Cytogenetic location: 2p24.3.
Variant type: single nucleotide variant.
Coding change: c.2390G>A on transcript NM_015909.4 (MANE Select); coding-DNA position 2390, G replaced by A.
Protein change: p.Arg797Gln; replaces arginine 797 with glutamine.
Molecular consequence: missense variant. On other transcripts: non-coding transcript variant (1).
Genome position (GRCh38, 1-based): chr2:15,427,744, C>T on the plus strand (G>A on the coding strand, the complement: NBAS is on the minus strand). VCF-style: chr2-15427744-C-T. GRCh37 (hg19) VCF-style: chr2-15567868-C-T.
Other names: c.2390G>A (NM_015909.2, NM_015909.3); short protein forms R797Q.
Identifiers: ClinVar variation 1439897 (VCV001439897.7), dbSNP rs773731707, ClinGen allele CA1536366.

ClinVar aggregate classification (germline): Uncertain significance. Review status: criteria provided, multiple submitters, no conflicts (2 of 4 stars). 3 submissions from 3 submitters: Uncertain significance (3). Last evaluated 2026-02-05.

Conditions:
Inborn genetic diseases. Identifiers: MedGen C0950123, MeSH D030342.

Allele frequency attached by ClinVar (database versions not stated): ExAC 0.00001; gnomAD exomes 0.00001; gnomAD 0.00002 and 0.00032; TOPMed 0.00041.
gnomAD v4.1: 63 of 1,613,348 alleles (0.0039%); highest among the groups gnomAD compares: East Asian, 0.0067%; 2 homozygotes.

Submissions (3):

GeneDx
Classification: Uncertain significance. Last evaluated: 2026-02-05. Review status: criteria provided, single submitter. Criteria: GeneDx Variant Classification Process June 2021. Collection method: clinical testing. Allele origin: germline.
Comment: Not observed at significant frequency in large population cohorts (gnomAD); In silico analysis supports that this missense variant has a deleterious effect on protein structure/function; Has not been previously published as pathogenic or benign to our knowledge

Ambry Genetics
Classification: Uncertain significance for Inborn genetic diseases. Last evaluated: 2024-11-26. Review status: criteria provided, single submitter. Criteria: Ambry Variant Classification Scheme 2023. Collection method: clinical testing. Allele origin: germline.

Labcorp Genetics (formerly Invitae), Labcorp
Classification: Uncertain significance. Last evaluated: 2024-10-26. Review status: criteria provided, single submitter. Criteria: Invitae Variant Classification Sherloc (09022015). Collection method: clinical testing. Allele origin: germline.
Comment: This sequence change replaces arginine, which is basic and polar, with glutamine, which is neutral and polar, at codon 797 of the NBAS protein (p.Arg797Gln). This variant is present in population databases (rs773731707, gnomAD 0.0009%). This variant has not been reported in the literature in individuals affected with NBAS-related conditions. ClinVar contains an entry for this variant (Variation ID: 1439897). Invitae Evidence Modeling of protein sequence and biophysical properties (such as structural, functional, and spatial information, amino acid conservation, physicochemical variation, residue mobility, and thermodynamic stability) indicates that this missense variant is not expected to disrupt NBAS protein function with a negative predictive value of 95%. Algorithms developed to predict the effect of sequence changes on RNA splicing suggest that this variant may disrupt the consensus splice site. In summary, the available evidence is currently insufficient to determine the role of this variant in disease. Therefore, it has been classified as a Variant of Uncertain Significance.